The following is an entry in ClinVar:

ClinVar aggregate classification (germline): Uncertain significance. Review status: criteria provided, multiple submitters, no conflicts (2 of 4 stars). 2 submissions from 2 submitters: Uncertain significance (2). Last evaluated 2023-01-11.

Conditions:
Congenital disorder of deglycosylation (CDDG). Identifiers: MedGen C3808991, MONDO:0031376.

Allele frequency attached by ClinVar (database versions not stated): TOPMed below 0.00001; gnomAD 0.00002 and 0.00003; gnomAD exomes 0.00002.
gnomAD v4.1: 16 of 1,613,424 alleles (0.00099%); highest among the groups gnomAD compares: South Asian, 0.0099%; no homozygotes.

Submissions (2):

Mayo Clinic Laboratories, Mayo Clinic
Classification: Uncertain significance. Last evaluated: 2023-01-11. Review status: criteria provided, single submitter. Criteria: ACMG Guidelines, 2015. Collection method: clinical testing. Allele origin: germline. Observed: 1 variant allele.
Comment: PM2

Labcorp Genetics (formerly Invitae), Labcorp
Classification: Uncertain significance for Congenital disorder of deglycosylation. Last evaluated: 2022-07-25. Review status: criteria provided, single submitter. Criteria: Invitae Variant Classification Sherloc (09022015). Collection method: clinical testing. Allele origin: germline.
Comment: This sequence change replaces tyrosine, which is neutral and polar, with cysteine, which is neutral and slightly polar, at codon 185 of the NGLY1 protein (p.Tyr185Cys). This variant is present in population databases (no rsID available, gnomAD 0.02%). This variant has not been reported in the literature in individuals affected with NGLY1-related conditions. ClinVar contains an entry for this variant (Variation ID: 998951). Algorithms developed to predict the effect of missense changes on protein structure and function (SIFT, PolyPhen-2, Align-GVGD) all suggest that this variant is likely to be disruptive. In summary, the available evidence is currently insufficient to determine the role of this variant in disease. Therefore, it has been classified as a Variant of Uncertain Significance.

Literature cited by the submitters: PubMed 35565658 (cited by Mayo Clinic Laboratories, Mayo Clinic).

NM_018297.4(NGLY1):c.554A>G (p.Tyr185Cys)

Gene: NGLY1 (N-glycanase 1; minus strand). Cytogenetic location: 3p24.2.
Variant type: single nucleotide variant.
Coding change: c.554A>G on transcript NM_018297.4 (MANE Select); coding-DNA position 554, A replaced by G.
Protein change: p.Tyr185Cys; replaces tyrosine 185 with cysteine.
Molecular consequence: missense variant.
Genome position (GRCh38, 1-based): chr3:25,751,202, T>C on the plus strand (A>G on the coding strand, the complement: NGLY1 is on the minus strand). VCF-style: chr3-25751202-T-C. GRCh37 (hg19) VCF-style: chr3-25792693-T-C.
Other names: p.Tyr185Cys; c.554A>G, p.Tyr185Cys (NM_001145293.2, NM_001145295.2); c.428A>G, p.Tyr143Cys (NM_001145294.2); short protein forms Y143C, Y185C.
Identifiers: ClinVar variation 998951 (VCV000998951.3), dbSNP rs1185701065, ClinGen allele CA351906152.
Genomic context (GRCh38, chr3:25,751,202, plus strand): 5'-CTTTTTAGTTCTTGGACCGGAATACAAGCCAACGCTTTCTCCTGAAGAGCAGGATTTTCA[T>C]AGACCAGCACATGCTGAATGTTGGACTGAAGAACTTCTAGAATGGCTGAGTCAGCAGCAA-3'
Protein context (NP_060767.2, residues 175-195): LQSNIQHVLV[Tyr185Cys]ENPALQEKAL